The following is an entry in ClinVar:

NM_016111.4(TELO2):c.1078G>A (p.Val360Ile)

Gene: TELO2 (telomere maintenance 2; plus strand). Cytogenetic location: 16p13.3.
Variant type: single nucleotide variant.
Coding change: c.1078G>A on transcript NM_016111.4 (MANE Select); coding-DNA position 1078, G replaced by A.
Protein change: p.Val360Ile; replaces valine 360 with isoleucine.
Molecular consequence: missense variant.
Genome position (GRCh38, 1-based): chr16:1,500,422, G>A. VCF-style: chr16-1500422-G-A. GRCh37 (hg19) VCF-style: chr16-1550423-G-A.
Other names: c.1078G>A, p.Val360Ile (NM_001351846.2); short protein forms V360I.
Identifiers: ClinVar variation 4709485 (VCV004709485.1).

ClinVar aggregate classification (germline): Uncertain significance (1 of 4 stars; one submission).

Submission:

Labcorp Genetics (formerly Invitae), Labcorp
Classification: Uncertain significance. Last evaluated: 2025-12-10. Review status: criteria provided, single submitter. Criteria: Invitae Variant Classification Sherloc (09022015). Collection method: clinical testing. Allele origin: germline.
Comment: This sequence change replaces valine, which is neutral and non-polar, with isoleucine, which is neutral and non-polar, at codon 360 of the TELO2 protein (p.Val360Ile). This variant is present in population databases (rs371998133, gnomAD 0.007%). This variant has not been reported in the literature in individuals affected with TELO2-related conditions. Invitae Evidence Modeling of protein sequence and biophysical properties (such as structural, functional, and spatial information, amino acid conservation, physicochemical variation, residue mobility, and thermodynamic stability) indicates that this missense variant is not expected to disrupt TELO2 protein function with a negative predictive value of 95%. In summary, the available evidence is currently insufficient to determine the role of this variant in disease. Therefore, it has been classified as a Variant of Uncertain Significance.